The following is an entry in ClinVar:

ClinVar aggregate classification (germline): Uncertain significance (1 of 4 stars; one submission).

Conditions:
Cardiovascular phenotype. Identifiers: MedGen CN230736.

Submission:

Ambry Genetics
Classification: Uncertain significance for Cardiovascular phenotype. Last evaluated: 2024-03-27. Review status: criteria provided, single submitter. Criteria: Ambry Variant Classification Scheme 2023. Collection method: clinical testing. Allele origin: germline.
Comment: The p.L88H variant (also known as c.263T>A), located in coding exon 2 of the LCAT gene, results from a T to A substitution at nucleotide position 263. The leucine at codon 88 is replaced by histidine, an amino acid with similar properties. This amino acid position is conserved. In addition, this alteration is predicted to be deleterious by in silico analysis. Based on the available evidence, the clinical significance of this alteration remains unclear.

NM_000229.2(LCAT):c.263T>A (p.Leu88His)

Gene: LCAT (lecithin-cholesterol acyltransferase; minus strand). Cytogenetic location: 16q22.1.
Variant type: single nucleotide variant.
Coding change: c.263T>A on transcript NM_000229.2 (MANE Select); coding-DNA position 263, T replaced by A.
Protein change: p.Leu88His; replaces leucine 88 with histidine.
Molecular consequence: missense variant.
Genome position (GRCh38, 1-based): chr16:67,943,104, A>T on the plus strand (T>A on the coding strand, the complement: LCAT is on the minus strand). VCF-style: chr16-67943104-A-T. GRCh37 (hg19) VCF-style: chr16-67977007-A-T.
Other names: short protein forms L88H.
Identifiers: ClinVar variation 3290237 (VCV003290237.1).